The following is an entry in ClinVar:

ClinVar aggregate classification (germline): Uncertain significance (1 of 4 stars; one submission).

Submission:

Labcorp Genetics (formerly Invitae), Labcorp
Classification: Uncertain significance. Last evaluated: 2024-08-30. Review status: criteria provided, single submitter. Criteria: Invitae Variant Classification Sherloc (09022015). Collection method: clinical testing. Allele origin: germline.
Comment: This sequence change replaces threonine, which is neutral and polar, with proline, which is neutral and non-polar, at codon 372 of the TUBB2A protein (p.Thr372Pro). This variant is not present in population databases (gnomAD no frequency). This variant has not been reported in the literature in individuals affected with TUBB2A-related conditions. Invitae Evidence Modeling of protein sequence and biophysical properties (such as structural, functional, and spatial information, amino acid conservation, physicochemical variation, residue mobility, and thermodynamic stability) indicates that this missense variant is expected to disrupt TUBB2A protein function with a positive predictive value of 80%. In summary, the available evidence is currently insufficient to determine the role of this variant in disease. Therefore, it has been classified as a Variant of Uncertain Significance.

NM_001069.3(TUBB2A):c.1114A>C (p.Thr372Pro)

Gene: TUBB2A (tubulin beta 2A class IIa; minus strand). Cytogenetic location: 6p25.2.
Variant type: single nucleotide variant.
Coding change: c.1114A>C on transcript NM_001069.3 (MANE Select); coding-DNA position 1114, A replaced by C.
Protein change: p.Thr372Pro; replaces threonine 372 with proline.
Molecular consequence: missense variant.
Genome position (GRCh38, 1-based): chr6:3,154,087, T>G on the plus strand (A>C on the coding strand, the complement: TUBB2A is on the minus strand). VCF-style: chr6-3154087-T-G. GRCh37 (hg19) VCF-style: chr6-3154321-T-G.
Other names: c.859A>C, p.Thr287Pro (NM_001310315.2); short protein forms T372P, T287P.
Identifiers: ClinVar variation 2819261 (VCV002819261.3), dbSNP rs2533523738, ClinGen allele CA362591201.